The following is an entry in ClinVar:

NM_001297663.2(TTC39A):c.1490C>G (p.Ala497Gly)

Gene: TTC39A (tetratricopeptide repeat domain 39A; minus strand). Cytogenetic location: 1p32.3.
Variant type: single nucleotide variant.
Coding change: c.1490C>G on transcript NM_001297663.2 (MANE Select); coding-DNA position 1490, C replaced by G.
Protein change: p.Ala497Gly; replaces alanine 497 with glycine.
Molecular consequence: missense variant.
Genome position (GRCh38, 1-based): chr1:51,290,008, G>C on the plus strand (C>G on the coding strand, the complement: TTC39A is on the minus strand). VCF-style: chr1-51290008-G-C. GRCh37 (hg19) VCF-style: chr1-51755680-G-C.
Other names: c.1493C>G, p.Ala498Gly (NM_001080494.3); c.1502C>G, p.Ala501Gly (NM_001144832.2); c.1409C>G, p.Ala470Gly (NM_001297664.1); c.1598C>G, p.Ala533Gly (NM_001297665.1); c.422C>G, p.Ala141Gly (NM_001297666.1); c.221C>G, p.Ala74Gly (NM_001297667.1); short protein forms A501G, A141G, A470G, A533G, A497G, A498G, A74G.
Identifiers: ClinVar variation 487623 (VCV000487623.1), dbSNP rs1553171591, ClinGen allele CA340303559.

ClinVar aggregate classification (germline): Uncertain significance (0 of 4 stars; one submission).

Conditions:
Wolff-Parkinson-White pattern. Also called: WPW SYNDROME; Auriculoventricular accessory pathway syndrome; False bundle branch block syndrome; Anomalous ventricular excitation syndrome. Identifiers: MedGen C0043202, MONDO:0008685, OMIM 194200, HP:0001716.

Submission:

Lupski Lab, Baylor-Hopkins CMG, Baylor College of Medicine
Classification: Uncertain significance for Wolff-Parkinson-White pattern. Last evaluated: 2017-07-14. Review status: no assertion criteria provided. Collection method: research. Allele origin: de novo. Affected: yes. Observed: 1 variant allele. Study: Candidate_variants_in_patients_with_ Wolff-Parkinson-White Syndrome.